The following is an entry in ClinVar:

ClinVar aggregate classification (germline): Uncertain significance. Review status: criteria provided, multiple submitters, no conflicts (2 of 4 stars). 5 submissions from 5 submitters: Uncertain significance (4). 1 of the submissions does not count toward it. Last evaluated 2025-01-13.

Conditions:
NF1-related disorder. Also called: NF1-related condition. Identifiers: MedGen CN379171.
Cardiovascular phenotype. Identifiers: MedGen CN230736.
Hereditary cancer-predisposing syndrome. Also called: Hereditary neoplastic syndrome; Neoplastic Syndromes, Hereditary; Tumor predisposition; Hereditary Cancer Syndrome. Identifiers: Orphanet 140162, MedGen C0027672, MeSH D009386, MONDO:0015356.
Neurofibromatosis, type 1 (NF1). Also called: VON RECKLINGHAUSEN DISEASE; Peripheral type neurofibromatosis; NEUROFIBROMATOSIS, TYPE I, SOMATIC; Neurofibromatosis, type I. Identifiers: Orphanet 636, MedGen C0027831, MONDO:0018975, OMIM 162200. Disease mechanism: loss of function.

Allele frequency attached by ClinVar (database versions not stated): gnomAD exomes below 0.00001; TOPMed below 0.00001; gnomAD 0.00001.
gnomAD v4.1: 4 of 1,609,942 alleles (0.00025%); highest among the groups gnomAD compares: Non-Finnish European, 0.00034%; no homozygotes.

Submissions (5):

Labcorp Genetics (formerly Invitae), Labcorp
Classification: Uncertain significance for Neurofibromatosis, type 1. Last evaluated: 2025-01-13. Review status: criteria provided, single submitter. Criteria: Invitae Variant Classification Sherloc (09022015). Collection method: clinical testing. Allele origin: germline.
Comment: This sequence change replaces tyrosine, which is neutral and polar, with phenylalanine, which is neutral and non-polar, at codon 227 of the NF1 protein (p.Tyr227Phe). This variant is not present in population databases (gnomAD no frequency). This variant has not been reported in the literature in individuals affected with NF1-related conditions. ClinVar contains an entry for this variant (Variation ID: 480216). Invitae Evidence Modeling of protein sequence and biophysical properties (such as structural, functional, and spatial information, amino acid conservation, physicochemical variation, residue mobility, and thermodynamic stability) has been performed for this missense variant. However, the output from this modeling did not meet the statistical confidence thresholds required to predict the impact of this variant on NF1 protein function. In summary, the available evidence is currently insufficient to determine the role of this variant in disease. Therefore, it has been classified as a Variant of Uncertain Significance.

Ambry Genetics
Classification: Uncertain significance for Cardiovascular phenotype; Hereditary cancer-predisposing syndrome. Last evaluated: 2024-01-08. Review status: criteria provided, single submitter. Criteria: Ambry Variant Classification Scheme 2023. Collection method: clinical testing. Allele origin: germline.
Comment: The p.Y227F variant (also known as c.680A>T), located in coding exon 7 of the NF1 gene, results from an A to T substitution at nucleotide position 680. The tyrosine at codon 227 is replaced by phenylalanine, an amino acid with highly similar properties. This amino acid position is highly conserved in available vertebrate species. In addition, the in silico prediction for this alteration is inconclusive. Since supporting evidence is limited at this time, the clinical significance of this alteration remains unclear.

Genome-Nilou Lab
Classification: Uncertain significance for Neurofibromatosis, type 1. Last evaluated: 2022-03-15. Review status: criteria provided, single submitter. Criteria: ACMG Guidelines, 2015. Collection method: clinical testing. Allele origin: germline. Affected: no.

GeneDx
Classification: Uncertain significance. Last evaluated: 2020-06-12. Review status: criteria provided, single submitter. Criteria: GeneDx Variant Classification Process June 2021. Collection method: clinical testing. Allele origin: germline. Affected: yes.
Comment: Not observed in large population cohorts (Lek 2016); In silico analysis supports that this missense variant has a deleterious effect on protein structure/function; Has not been previously published as pathogenic or benign to our knowledge

PreventionGenetics, part of Exact Sciences
Classification: Uncertain significance for NF1-related condition. Last evaluated: 2024-08-19. Review status: no assertion criteria provided. Collection method: clinical testing. Allele origin: germline. Not counted in ClinVar's aggregate classification.
Comment: The NF1 c.680A>T variant is predicted to result in the amino acid substitution p.Tyr227Phe. To our knowledge, this variant has not been reported in the literature or in a large population database, indicating this variant is rare. This variant is interpreted as uncertain in ClinVar. At this time, the clinical significance of this variant is uncertain due to the absence of conclusive functional and genetic evidence.

NM_001042492.3(NF1):c.680A>T (p.Tyr227Phe)

Gene: NF1 (neurofibromin 1; plus strand). Cytogenetic location: 17q11.2.
Variant type: single nucleotide variant.
Coding change: c.680A>T on transcript NM_001042492.3 (MANE Select); coding-DNA position 680, A replaced by T.
Protein change: p.Tyr227Phe; replaces tyrosine 227 with phenylalanine.
Molecular consequence: missense variant.
Genome position (GRCh38, 1-based): chr17:31,181,735, A>T. VCF-style: chr17-31181735-A-T. GRCh37 (hg19) VCF-style: chr17-29508753-A-T.
Other names: c.680A>T, p.Tyr227Phe (NM_000267.4, NM_001128147.3); short protein forms Y227F.
Identifiers: ClinVar variation 480216 (VCV000480216.16), dbSNP rs1555608742, ClinGen allele CA398989855.